The following is an entry in ClinVar:

ClinVar aggregate classification (germline): Uncertain significance (1 of 4 stars; one submission).

gnomAD v4.1: 5 of 1,208,418 alleles (0.00041%); highest among the groups gnomAD compares: African/African-American, 0.0053%; no homozygotes.

Submission:

Labcorp Genetics (formerly Invitae), Labcorp
Classification: Uncertain significance. Last evaluated: 2025-05-19. Review status: criteria provided, single submitter. Criteria: Invitae Variant Classification Sherloc (09022015). Collection method: clinical testing. Allele origin: germline.
Comment: This sequence change replaces asparagine, which is neutral and polar, with serine, which is neutral and polar, at codon 531 of the MSN protein (p.Asn531Ser). This variant is present in population databases (rs772615370, gnomAD 0.008%), including at least one homozygous and/or hemizygous individual. This variant has not been reported in the literature in individuals affected with MSN-related conditions. ClinVar contains an entry for this variant (Variation ID: 2874025). An algorithm developed to predict the effect of missense changes on protein structure and function (PolyPhen-2) suggests that this variant is likely to be tolerated. In summary, the available evidence is currently insufficient to determine the role of this variant in disease. Therefore, it has been classified as a Variant of Uncertain Significance.

NM_002444.3(MSN):c.1592A>G (p.Asn531Ser)

Gene: MSN (moesin; plus strand). Cytogenetic location: Xq12.
Variant type: single nucleotide variant.
Coding change: c.1592A>G on transcript NM_002444.3 (MANE Select); coding-DNA position 1592, A replaced by G.
Protein change: p.Asn531Ser; replaces asparagine 531 with serine.
Molecular consequence: missense variant.
Genome position (GRCh38, 1-based): chrX:65,739,751, A>G. VCF-style: chrX-65739751-A-G. GRCh37 (hg19) VCF-style: chrX-64959613-A-G.
Other names: short protein forms N531S.
Identifiers: ClinVar variation 2874025 (VCV002874025.3), dbSNP rs772615370, ClinGen allele CA10434702.